The following is an entry in ClinVar:

NM_007103.4(NDUFV1):c.327-2A>G

Gene: NDUFV1 (NADH:ubiquinone oxidoreductase core subunit V1; plus strand). Cytogenetic location: 11q13.2.
Variant type: single nucleotide variant.
Coding change: c.327-2A>G on transcript NM_007103.4 (MANE Select); the canonical splice acceptor site of the intron before coding-DNA position 327, A replaced by G.
Molecular consequence: splice acceptor variant.
Genome position (GRCh38, 1-based): chr11:67,609,450, A>G. VCF-style: chr11-67609450-A-G. GRCh37 (hg19) VCF-style: chr11-67376921-A-G.
Other names: c.300-2A>G (NM_001166102.2).
Identifiers: ClinVar variation 2700627 (VCV002700627.3), dbSNP rs2495717946, ClinGen allele CA381535093.

ClinVar aggregate classification (germline): Likely pathogenic (1 of 4 stars; one submission).

Submission:

Labcorp Genetics (formerly Invitae), Labcorp
Classification: Likely pathogenic. Last evaluated: 2023-12-03. Review status: criteria provided, single submitter. Criteria: Invitae Variant Classification Sherloc (09022015). Collection method: clinical testing. Allele origin: germline.
Comment: This sequence change affects an acceptor splice site in intron 3 of the NDUFV1 gene. It is expected to disrupt RNA splicing. Variants that disrupt the donor or acceptor splice site typically lead to a loss of protein function (PMID: 16199547), and loss-of-function variants in NDUFV1 are known to be pathogenic (PMID: 10080174, 11349233). This variant is not present in population databases (gnomAD no frequency). This variant has not been reported in the literature in individuals affected with NDUFV1-related conditions. Algorithms developed to predict the effect of sequence changes on RNA splicing suggest that this variant may disrupt the consensus splice site. In summary, the currently available evidence indicates that the variant is pathogenic, but additional data are needed to prove that conclusively. Therefore, this variant has been classified as Likely Pathogenic.

Literature cited by the submitters: PubMed 16199547; PubMed 10080174; PubMed 11349233.